The following is an entry in ClinVar:

NM_005219.5(DIAPH1):c.2158C>T (p.Leu720Phe)

Gene: DIAPH1 (diaphanous related formin 1; minus strand). Cytogenetic location: 5q31.3.
Variant type: single nucleotide variant.
Coding change: c.2158C>T on transcript NM_005219.5 (MANE Select); coding-DNA position 2158, C replaced by T.
Protein change: p.Leu720Phe; replaces leucine 720 with phenylalanine.
Molecular consequence: missense variant.
Genome position (GRCh38, 1-based): chr5:141,573,692, G>A on the plus strand (C>T on the coding strand, the complement: DIAPH1 is on the minus strand). VCF-style: chr5-141573692-G-A. GRCh37 (hg19) VCF-style: chr5-140953259-G-A.
Other names: c.2131C>T, p.Leu711Phe (NM_001079812.3); c.2158C>T, p.Leu720Phe (NM_001314007.2); short protein forms L711F, L720F.
Identifiers: ClinVar variation 450432 (VCV000450432.17), dbSNP rs200606811, ClinGen allele CA3479142.

ClinVar aggregate classification (germline): Conflicting classifications of pathogenicity. Review status: criteria provided, conflicting classifications (1 of 4 stars). 6 submissions from 6 submitters: Uncertain significance (1); Likely benign (5). Last evaluated 2026-01-28.

Conditions:
DIAPH1-related disorder. Also called: DIAPH1-related condition.
Progressive microcephaly-seizures-cortical blindness-developmental delay syndrome. Also called: Seizures, cortical blindness, and microcephaly syndrome. Identifiers: Orphanet 477814, MedGen C5567650, MONDO:0014714, OMIM 616632.
Autosomal dominant nonsyndromic hearing loss 1. Also called: KONIGSMARK SYNDROME; DEAFNESS, AUTOSOMAL DOMINANT 1, WITH OR WITHOUT THROMBOCYTOPENIA. Identifiers: Orphanet 90635, MedGen C1852282, MONDO:0007424, OMIM 124900.
Inborn genetic diseases. Identifiers: MedGen C0950123, MeSH D030342.

Allele frequency attached by ClinVar (database versions not stated): TOPMed 0.00041; gnomAD 0.00042 and 0.00041; ExAC 0.00012; gnomAD exomes 0.00013; ESP Exome Variant Server 0.00025.
gnomAD v4.1: 149 of 1,602,082 alleles (0.0093%); highest among the groups gnomAD compares: Middle Eastern, 0.13%; no homozygotes.

Submissions (6):

Labcorp Genetics (formerly Invitae), Labcorp
Classification: Uncertain significance for Progressive microcephaly-seizures-cortical blindness-developmental delay syndrome; Autosomal dominant nonsyndromic hearing loss 1. Last evaluated: 2026-01-28. Review status: criteria provided, single submitter. Criteria: Invitae Variant Classification Sherloc (09022015). Collection method: clinical testing. Allele origin: germline.
Comment: This sequence change replaces leucine, which is neutral and non-polar, with phenylalanine, which is neutral and non-polar, at codon 720 of the DIAPH1 protein (p.Leu720Phe). This variant is present in population databases (rs200606811, gnomAD 0.1%). This variant has not been reported in the literature in individuals affected with DIAPH1-related conditions. ClinVar contains an entry for this variant (Variation ID: 450432). An algorithm developed to predict the effect of missense changes on protein structure and function outputs the following: PolyPhen-2: "Not Available". The phenylalanine amino acid residue is found in multiple mammalian species, which suggests that this missense change does not adversely affect protein function. In summary, the available evidence is currently insufficient to determine the role of this variant in disease. Therefore, it has been classified as a Variant of Uncertain Significance.

PreventionGenetics, part of Exact Sciences
Classification: Likely benign for DIAPH1-related condition. Last evaluated: 2024-11-22. Review status: criteria provided, single submitter. Criteria: ACMG Guidelines, 2015. Collection method: clinical testing. Allele origin: germline.
Comment: This variant is classified as likely benign based on ACMG/AMP sequence variant interpretation guidelines (Richards et al. 2015 PMID: 25741868, with internal and published modifications).

ARUP Laboratories, Molecular Genetics and Genomics, ARUP Laboratories
Classification: Likely benign. Last evaluated: 2024-09-16. Review status: criteria provided, single submitter. Criteria: ARUP Molecular Germline Variant Investigation Process 2024. Collection method: clinical testing. Allele origin: germline.

Ambry Genetics
Classification: Likely benign for Inborn genetic diseases. Last evaluated: 2022-07-21. Review status: criteria provided, single submitter. Criteria: Ambry Variant Classification Scheme 2023. Collection method: clinical testing. Allele origin: germline.

GeneDx
Classification: Likely benign. Last evaluated: 2020-07-21. Review status: criteria provided, single submitter. Criteria: GeneDx Variant Classification Process June 2021. Collection method: clinical testing. Allele origin: germline. Affected: yes.

Laboratory for Molecular Medicine, Mass General Brigham Personalized Medicine
Classification: Likely benign. Last evaluated: 2017-02-28. Review status: criteria provided, single submitter. Criteria: LMM Criteria. Collection method: clinical testing. Allele origin: germline. Observed: 3 variant alleles.
Comment: p.Leu720Phe in exon 16 of DIAPH1: This variant is not expected to have clinical significance due to a lack of conservation across species, including mammals. Of note,4 mammals (rat, mouse, Tibetan antelope, and shrew) have a phenylalanine ( Phe) at this position despite high nearby amino acid conservation. In addition, computational prediction tools do not suggest a high likelihood of impact to the protein. It has been identified in 5/6746 Latino chromosomes and 4/7384 African chromosomes by the Exome Aggregation Consortium (ExAC; dbSNP rs200606811).